The following is an entry in ClinVar:

NM_001134407.3(GRIN2A):c.3926G>A (p.Arg1309Gln)

Gene: GRIN2A (glutamate ionotropic receptor NMDA type subunit 2A; minus strand). Cytogenetic location: 16p13.2.
Variant type: single nucleotide variant.
Coding change: c.3926G>A on transcript NM_001134407.3 (MANE Select); coding-DNA position 3926, G replaced by A.
Protein change: p.Arg1309Gln; replaces arginine 1309 with glutamine.
Molecular consequence: missense variant. On other transcripts: intron variant (1).
Genome position (GRCh38, 1-based): chr16:9,763,618, C>T on the plus strand (G>A on the coding strand, the complement: GRIN2A is on the minus strand). VCF-style: chr16-9763618-C-T. GRCh37 (hg19) VCF-style: chr16-9857475-C-T.
Other names: c.3926G>A, p.Arg1309Gln (NM_000833.5); c.3772+154G>A (NM_001134408.2); short protein forms R1309Q.
Identifiers: ClinVar variation 2992617 (VCV002992617.3), dbSNP rs1900699130, ClinGen allele CA394706548.

ClinVar aggregate classification (germline): Uncertain significance (1 of 4 stars; one submission).

Conditions:
Landau-Kleffner syndrome (FESD). Also called: EPILEPSY, FOCAL, WITH SPEECH DISORDER AND WITH OR WITHOUT MENTAL RETARDATION; APHASIA, ACQUIRED, WITH EPILEPSY. Identifiers: Orphanet 1945, Orphanet 725, Orphanet 98818, MedGen C0282512, MONDO:0009509, OMIM 245570.

Allele frequency attached by ClinVar (database versions not stated): gnomAD exomes below 0.00001.
gnomAD v4.1: 4 of 1,613,318 alleles (0.00025%); highest among the groups gnomAD compares: Admixed American, 0.0017%; no homozygotes.

Submission:

Labcorp Genetics (formerly Invitae), Labcorp
Classification: Uncertain significance for Landau-Kleffner syndrome. Last evaluated: 2023-09-25. Review status: criteria provided, single submitter. Criteria: Invitae Variant Classification Sherloc (09022015). Collection method: clinical testing. Allele origin: germline.
Comment: In summary, the available evidence is currently insufficient to determine the role of this variant in disease. Therefore, it has been classified as a Variant of Uncertain Significance. Advanced modeling of protein sequence and biophysical properties (such as structural, functional, and spatial information, amino acid conservation, physicochemical variation, residue mobility, and thermodynamic stability) performed at Invitae indicates that this missense variant is not expected to disrupt GRIN2A protein function. This variant has not been reported in the literature in individuals affected with GRIN2A-related conditions. This variant is not present in population databases (gnomAD no frequency). This sequence change replaces arginine, which is basic and polar, with glutamine, which is neutral and polar, at codon 1309 of the GRIN2A protein (p.Arg1309Gln).